The following is an entry in ClinVar:

ClinVar aggregate classification (germline): Likely benign. Review status: criteria provided, multiple submitters, no conflicts (2 of 4 stars). 6 submissions from 6 submitters: Likely benign (4). 2 of the submissions do not count toward it. Last evaluated 2025-12-28.

Conditions:
Cystic fibrosis (CF). Also called: MUCOVISCIDOSIS. Identifiers: Orphanet 586, MedGen C0010674, MONDO:0009061, OMIM 219700. Disease mechanism: loss of function.
CFTR-related disorder (CFTR-RD). Also called: CFTR-related disorders; CFTR-related condition. Identifiers: MedGen C5924204, MONDO:7770004.

Allele frequency attached by ClinVar (database versions not stated): gnomAD below 0.00001 and 0.00002; TOPMed below 0.00001; gnomAD exomes 0.00003 and 0.00006; ExAC 0.00005; 1000 Genomes Project 30x 0.00016; 1000 Genomes Project 0.00020.
gnomAD v4.1: 44 of 1,602,054 alleles (0.0027%); highest among the groups gnomAD compares: South Asian, 0.044%; no homozygotes.

Submissions (6):

Labcorp Genetics (formerly Invitae), Labcorp
Classification: Likely benign for Cystic fibrosis. Last evaluated: 2025-12-28. Review status: criteria provided, single submitter. Criteria: Invitae Variant Classification Sherloc (09022015). Collection method: clinical testing. Allele origin: germline.

Blueprint Genetics
Classification: Likely benign. Last evaluated: 2023-12-01. Review status: criteria provided, single submitter. Criteria: ACMG Guidelines, 2015. Collection method: clinical testing. Allele origin: germline.

Ambry Genetics
Classification: Likely benign for Cystic fibrosis. Last evaluated: 2022-05-12. Review status: criteria provided, single submitter. Criteria: Ambry Variant Classification Scheme 2023. Collection method: clinical testing. Allele origin: germline.

Women's Health and Genetics/Laboratory Corporation of America, LabCorp
Classification: Likely benign. Last evaluated: 2021-05-02. Review status: criteria provided, single submitter. Criteria: LabCorp Variant Classification Summary - May 2015. Collection method: clinical testing. Allele origin: germline.

PreventionGenetics, part of Exact Sciences
Classification: Likely benign for CFTR-related condition. Last evaluated: 2024-05-10. Review status: no assertion criteria provided. Collection method: clinical testing. Allele origin: germline. Not counted in ClinVar's aggregate classification.
Comment: This variant is classified as likely benign based on ACMG/AMP sequence variant interpretation guidelines (Richards et al. 2015 PMID: 25741868, with internal and published modifications).

Natera, Inc.
Classification: Likely benign for CFTR-related disorders. Last evaluated: 2020-10-22. Review status: no assertion criteria provided. Collection method: clinical testing. Allele origin: germline. Not counted in ClinVar's aggregate classification.

NM_000492.4(CFTR):c.1176A>G (p.Val392=)

Gene: CFTR (CF transmembrane conductance regulator; plus strand). Cytogenetic location: 7q31.2.
Variant type: single nucleotide variant.
Coding change: c.1176A>G on transcript NM_000492.4 (MANE Select); coding-DNA position 1176, A replaced by G.
Protein change: p.Val392=; no amino-acid change (valine 392 retained).
Molecular consequence: synonymous variant.
Genome position (GRCh38, 1-based): chr7:117,542,075, A>G. VCF-style: chr7-117542075-A-G. GRCh37 (hg19) VCF-style: chr7-117182129-A-G.
Identifiers: ClinVar variation 701528 (VCV000701528.14), dbSNP rs542860881, ClinGen allele CA4450916.